The following is an entry in ClinVar:

NM_198578.4(LRRK2):c.5338G>T (p.Val1780Phe)

Gene: LRRK2 (leucine rich repeat kinase 2; plus strand). Cytogenetic location: 12q12.
Variant type: single nucleotide variant.
Coding change: c.5338G>T on transcript NM_198578.4 (MANE Select); coding-DNA position 5338, G replaced by T.
Protein change: p.Val1780Phe; replaces valine 1780 with phenylalanine.
Molecular consequence: missense variant.
Genome position (GRCh38, 1-based): chr12:40,322,339, G>T. VCF-style: chr12-40322339-G-T. GRCh37 (hg19) VCF-style: chr12-40716141-G-T.
Other names: c.5338G>T (NM_198578.3); short protein forms V1780F.
Identifiers: ClinVar variation 2882210 (VCV002882210.4), dbSNP rs1945428056, ClinGen allele CA384420537.

ClinVar aggregate classification (germline): Uncertain significance. Review status: criteria provided, multiple submitters, no conflicts (2 of 4 stars). 2 submissions from 2 submitters: Uncertain significance (2). Last evaluated 2024-09-12.

Conditions:
Autosomal dominant Parkinson disease 8. Also called: LRRK2-Related Parkinson Disease; Parkinson disease 8; Parkinson disease 8, susceptibility to. Identifiers: Orphanet 411602, MedGen C1846862, MONDO:0011764, OMIM 607060.
Inborn genetic diseases. Identifiers: MedGen C0950123, MeSH D030342.

Submissions (2):

Ambry Genetics
Classification: Uncertain significance for Inborn genetic diseases. Last evaluated: 2024-09-12. Review status: criteria provided, single submitter. Criteria: Ambry Variant Classification Scheme 2023. Collection method: clinical testing. Allele origin: germline.
Comment: The p.V1780F variant (also known as c.5338G>T), located in coding exon 37 of the LRRK2 gene, results from a G to T substitution at nucleotide position 5338. The valine at codon 1780 is replaced by phenylalanine, an amino acid with highly similar properties. This amino acid position is conserved. In addition, this alteration is predicted to be deleterious by in silico analysis. Based on the available evidence, the clinical significance of this variant remains unclear.

Labcorp Genetics (formerly Invitae), Labcorp
Classification: Uncertain significance for Autosomal dominant Parkinson disease 8. Last evaluated: 2023-04-03. Review status: criteria provided, single submitter. Criteria: Invitae Variant Classification Sherloc (09022015). Collection method: clinical testing. Allele origin: germline.
Comment: This sequence change replaces valine, which is neutral and non-polar, with phenylalanine, which is neutral and non-polar, at codon 1780 of the LRRK2 protein (p.Val1780Phe). This variant is not present in population databases (gnomAD no frequency). This variant has not been reported in the literature in individuals affected with LRRK2-related conditions. Advanced modeling of protein sequence and biophysical properties (such as structural, functional, and spatial information, amino acid conservation, physicochemical variation, residue mobility, and thermodynamic stability) has been performed at Invitae for this missense variant, however the output from this modeling did not meet the statistical confidence thresholds required to predict the impact of this variant on LRRK2 protein function. In summary, the available evidence is currently insufficient to determine the role of this variant in disease. Therefore, it has been classified as a Variant of Uncertain Significance.